The following is an entry in ClinVar:

ClinVar aggregate classification (germline): Pathogenic (1 of 4 stars; one submission).

Submission:

Labcorp Genetics (formerly Invitae), Labcorp
Classification: Pathogenic. Last evaluated: 2023-09-17. Review status: criteria provided, single submitter. Criteria: Invitae Variant Classification Sherloc (09022015). Collection method: clinical testing. Allele origin: germline.
Comment: This sequence change creates a premature translational stop signal (p.Lys103Glufs*89) in the C1QA gene. While this is not anticipated to result in nonsense mediated decay, it is expected to disrupt the last 143 amino acid(s) of the C1QA protein. This variant is not present in population databases (gnomAD no frequency). This variant has not been reported in the literature in individuals affected with C1QA-related conditions. This variant disrupts a region of the C1QA protein in which other variant(s) (p.Gln208*) have been determined to be pathogenic (PMID: 7594474, 8840296, 9225968, 21654842, 26563161, 29739689, 30008451). This suggests that this is a clinically significant region of the protein, and that variants that disrupt it are likely to be disease-causing. For these reasons, this variant has been classified as Pathogenic.

Literature cited by the submitters: PubMed 7594474; PubMed 8840296; PubMed 9225968; PubMed 21654842; PubMed 26563161; PubMed 29739689; PubMed 30008451.

NM_015991.4(C1QA):c.306_307insG (p.Lys103fs)

Gene: C1QA (complement C1q A chain; plus strand). Cytogenetic location: 1p36.12.
Variant type: Insertion.
Coding change: c.306_307insG on transcript NM_015991.4 (MANE Select); coding-DNA positions 306 to 307, G inserted.
Protein change: p.Lys103fs; shifts the reading frame from lysine 103.
Molecular consequence: frameshift variant.
Genome position: GRCh38 VCF-style: chr1-22638975-C-CG. GRCh37 (hg19) VCF-style: chr1-22965468-C-CG.
Other names: c.306_307insG, p.Lys103fs (NM_001347465.2, NM_001347466.2); short protein forms K103fs.
Identifiers: ClinVar variation 2834881 (VCV002834881.3), dbSNP rs2522182323, ClinGen allele CA2739272356.
Genomic context (GRCh38, chr1:22,638,975, plus strand): 5'-GGGCTACCCAGGGCCCAGCGGCCCCCTCGGAGCCCGTGGCATCCCGGGAATTAAAGGCAC[C>CG]AAGGGCAGCCCAGGAAACATCAAGGACCAGCCGAGGCCAGCCTTCTCCGCCATTCGGCGG-3'